The following is an entry in ClinVar:

NM_000222.3(KIT):c.2867G>A (p.Arg956Gln)

Gene: KIT (KIT proto-oncogene, receptor tyrosine kinase; plus strand). Cytogenetic location: 4q12.
Variant type: single nucleotide variant.
Coding change: c.2867G>A on transcript NM_000222.3 (MANE Select); coding-DNA position 2867, G replaced by A.
Protein change: p.Arg956Gln; replaces arginine 956 with glutamine.
Molecular consequence: missense variant.
Genome position (GRCh38, 1-based): chr4:54,738,493, G>A. VCF-style: chr4-54738493-G-A. GRCh37 (hg19) VCF-style: chr4-55604659-G-A.
Other names: c.2855G>A, p.Arg952Gln (NM_001093772.2, NM_001385292.1); c.2870G>A, p.Arg957Gln (NM_001385284.1); c.2864G>A, p.Arg955Gln (NM_001385285.1); c.2852G>A, p.Arg951Gln (NM_001385286.1); c.2858G>A, p.Arg953Gln (NM_001385288.1); c.2867G>A, p.Arg956Gln (NM_001385290.1); short protein forms R956Q, R952Q, R951Q, R953Q, R955Q, R957Q.
Identifiers: ClinVar variation 409787 (VCV000409787.44), dbSNP rs139694927, ClinGen allele CA2923885.

ClinVar aggregate classification (germline): Conflicting classifications of pathogenicity. Review status: criteria provided, conflicting classifications (1 of 4 stars). 8 submissions from 8 submitters: Uncertain significance (6); Likely benign (1). 1 of the submissions does not count toward it. Last evaluated 2026-06-02.

Conditions:
KIT-related disorder. Also called: KIT-related condition.
Hereditary cancer-predisposing syndrome. Also called: Tumor predisposition; Hereditary neoplastic syndrome; Hereditary Cancer Syndrome; Neoplastic Syndromes, Hereditary. Identifiers: Orphanet 140162, MedGen C0027672, MeSH D009386, MONDO:0015356.
Gastrointestinal stromal tumor. Also called: Gastrointestinal stromal tumor, somatic; Gastrointestinal stroma tumor. Identifiers: Orphanet 44890, MedGen C0238198, MeSH D046152, MONDO:0011719, OMIM 606764, HP:0100723.

Allele frequency attached by ClinVar (database versions not stated): gnomAD exomes 0.00006 and 0.00010; ExAC 0.00007; gnomAD 0.00007 and 0.00008; ESP Exome Variant Server 0.00015.
gnomAD v4.1: 168 of 1,613,952 alleles (0.01%); highest among the groups gnomAD compares: Non-Finnish European, 0.012%; no homozygotes.

Submissions (8):

Myriad Genetics, Inc.
Classification: Likely benign for Gastrointestinal stromal tumor. Last evaluated: 2026-06-02. Review status: criteria provided, single submitter. Criteria: Myriad Autosomal Dominant, Autosomal Recessive and X-Linked Classification Criteria (2023). Collection method: clinical testing. Allele origin: unknown.
Comment: This variant is considered likely benign. This variant has been observed at a population frequency that is significantly greater than expected given the associated disease prevalence and penetrance.

St. Jude Molecular Pathology, St. Jude Children's Research Hospital
Classification: Uncertain significance for Gastrointestinal stromal tumor. Last evaluated: 2026-02-20. Review status: criteria provided, single submitter. Criteria: St. Jude Assertion Criteria 2020. Collection method: clinical testing. Allele origin: germline.
Comment: The KIT c.2867G>A p.(Arg956Gln) missense change has a maximum subpopulation frequency of 0.015% in gnomAD v2.1.1. The in silico tool REVEL is inconclusive about a pathogenic or benign effect of this variant on protein function, and to our knowledge functional studies have not been performed. To our knowledge, this variant has not been reported in indiv iduals with KIT-related gastrointestinal stromal tumor. In summary, the evidence currently available is insufficient to determine the clinical significance of this variant. It has therefore been classified as of uncertain significance.

Labcorp Genetics (formerly Invitae), Labcorp
Classification: Uncertain significance for Gastrointestinal stromal tumor. Last evaluated: 2026-01-31. Review status: criteria provided, single submitter. Criteria: Invitae Variant Classification Sherloc (09022015). Collection method: clinical testing. Allele origin: germline.
Comment: This sequence change replaces arginine, which is basic and polar, with glutamine, which is neutral and polar, at codon 956 of the KIT protein (p.Arg956Gln). This variant is present in population databases (rs139694927, gnomAD 0.02%). This variant has not been reported in the literature in individuals affected with KIT-related conditions. ClinVar contains an entry for this variant (Variation ID: 409787). An algorithm developed to predict the effect of missense changes on protein structure and function (PolyPhen-2) suggests that this variant is likely to be disruptive. In summary, the available evidence is currently insufficient to determine the role of this variant in disease. Therefore, it has been classified as a Variant of Uncertain Significance.

Ambry Genetics
Classification: Uncertain significance for Hereditary cancer-predisposing syndrome. Last evaluated: 2025-08-02. Review status: criteria provided, single submitter. Criteria: Ambry Variant Classification Scheme 2023. Collection method: clinical testing. Allele origin: germline.
Comment: The p.R956Q variant (also known as c.2867G>A), located in coding exon 21 of the KIT gene, results from a G to A substitution at nucleotide position 2867. The arginine at codon 956 is replaced by glutamine, an amino acid with highly similar properties. This amino acid position is highly conserved in available vertebrate species. In addition, the in silico prediction for this alteration is inconclusive. Since supporting evidence is limited at this time, the clinical significance of this alteration remains unclear.

CeGaT Center for Human Genetics Tuebingen
Classification: Uncertain significance. Last evaluated: 2024-05-01. Review status: criteria provided, single submitter. Criteria: CeGaT Center For Human Genetics Tuebingen Variant Classification Criteria Version 2. Collection method: clinical testing. Allele origin: germline. Affected: yes. Observed: 1 variant allele.

GeneDx
Classification: Uncertain significance. Last evaluated: 2023-08-11. Review status: criteria provided, single submitter. Criteria: GeneDx Variant Classification Process June 2021. Collection method: clinical testing. Allele origin: germline. Affected: yes.
Comment: In silico analysis supports that this missense variant does not alter protein structure/function; Has not been previously published as pathogenic or benign to our knowledge; This variant is associated with the following publications: (PMID: 32608199)

Institute for Clinical Genetics, University Hospital TU Dresden, University Hospital TU Dresden
Classification: Uncertain significance. Last evaluated: 2021-11-03. Review status: criteria provided, single submitter. Criteria: ACMG Guidelines, 2015. Collection method: clinical testing. Allele origin: germline.

PreventionGenetics, part of Exact Sciences
Classification: Likely benign for KIT-related condition. Last evaluated: 2023-11-13. Review status: no assertion criteria provided. Collection method: clinical testing. Allele origin: germline. Not counted in ClinVar's aggregate classification.
Comment: This variant is classified as likely benign based on ACMG/AMP sequence variant interpretation guidelines (Richards et al. 2015 PMID: 25741868, with internal and published modifications).